The following is an entry in ClinVar:

NC_000005.9:g.(?_131705516)_(131729964_?)del

Gene: SLC22A5 (solute carrier family 22 member 5; plus strand). Cytogenetic location: 5q31.1.
Variant type: Deletion.
Identifiers: ClinVar variation 2424619 (VCV002424619.3).

ClinVar aggregate classification (germline): Pathogenic (1 of 4 stars; one submission).

Conditions:
Renal carnitine transport defect (CDSP). Also called: Primary carnitine deficiency; Systemic primary carnitine deficiency; CARNITINE DEFICIENCY, SYSTEMIC, DUE TO DEFECT IN RENAL REABSORPTION OF CARNITINE; CARNITINE TRANSPORTER, PLASMA-MEMBRANE, DEFICIENCY OF; CARNITINE UPTAKE DEFECT; Carnitine transporter deficiency. Identifiers: Orphanet 158, MedGen C0342788, MONDO:0008919, OMIM 212140.

Submission:

Labcorp Genetics (formerly Invitae), Labcorp
Classification: Pathogenic for Renal carnitine transport defect. Last evaluated: 2022-09-01. Review status: criteria provided, single submitter. Criteria: Invitae Variant Classification Sherloc (09022015). Collection method: clinical testing. Allele origin: germline.
Comment: A gross deletion of the genomic region encompassing the full coding sequence of the SLC22A5 gene has been identified. Loss-of-function variants in SLC22A5 are known to be pathogenic (PMID: 9916797). The boundaries of this event are unknown as they extend beyond the assayed region for this gene and therefore may encompass additional genes. A similar copy number variant has been observed in individual(s) with primary carnitine deficiency (PMID: 20574985). In at least one individual the data is consistent with being in trans (on the opposite chromosome) from a pathogenic variant. For these reasons, this variant has been classified as Pathogenic.

Literature cited by the submitters: PubMed 9916797; PubMed 20574985.